The following is an entry in ClinVar:

ClinVar aggregate classification (germline): Pathogenic. Review status: criteria provided, multiple submitters, no conflicts (2 of 4 stars). 2 submissions from 2 submitters: Pathogenic (2). Last evaluated 2025-01-08.

Conditions:
Multiple acyl-CoA dehydrogenase deficiency (MADD). Also called: ETHYLMALONIC-ADIPICACIDURIA; GA II; Glutaric aciduria, type 2; Glutaric acidemia type II; GA 2; Glutaric Acidemia type 2. Identifiers: Orphanet 26791, MedGen C0268596, MONDO:0009282, OMIM 231680.

Submissions (2):

First Genomix Gene Laboratory, Genetic Diagnostics Department
Classification: Pathogenic for Multiple acyl-CoA dehydrogenase deficiency. Last evaluated: 2025-01-08. Review status: criteria provided, single submitter. Criteria: ACMG Guidelines, 2015. Collection method: clinical testing. Allele origin: germline. Inheritance: Autosomal recessive inheritance. Affected: no. Observed: 1 variant allele.

Baylor Genetics
Classification: Pathogenic for Multiple acyl-CoA dehydrogenase deficiency. Last evaluated: 2024-03-27. Review status: criteria provided, single submitter. Criteria: ACMG Guidelines, 2015. Collection method: clinical testing. Allele origin: unknown.

NM_004453.4(ETFDH):c.1083C>G (p.Tyr361Ter)

Gene: ETFDH (electron transfer flavoprotein dehydrogenase; plus strand). Cytogenetic location: 4q32.1.
Variant type: single nucleotide variant.
Coding change: c.1083C>G on transcript NM_004453.4 (MANE Select); coding-DNA position 1083, C replaced by G.
Protein change: p.Tyr361Ter; replaces tyrosine 361 with a stop codon.
Molecular consequence: nonsense.
Genome position (GRCh38, 1-based): chr4:158,699,097, C>G. VCF-style: chr4-158699097-C-G. GRCh37 (hg19) VCF-style: chr4-159620249-C-G.
Other names: c.942C>G, p.Tyr314Ter (NM_001281737.2); c.900C>G, p.Tyr300Ter (NM_001281738.1); short protein forms Y300*, Y314*, Y361*.
Identifiers: ClinVar variation 3241423 (VCV003241423.2), dbSNP rs765063539.